The following is an entry in ClinVar:

ClinVar aggregate classification (germline): Pathogenic/Likely pathogenic. Review status: criteria provided, multiple submitters, no conflicts (2 of 4 stars). 3 submissions from 3 submitters: Pathogenic (1); Likely pathogenic (1). 1 of the submissions does not count toward it. Last evaluated 2023-02-22.

Conditions:
Rare genetic deafness. Identifiers: Orphanet 96210, MedGen C5680250.
Pendred syndrome (PDS). Also called: Pendred's syndrome; DEAFNESS WITH GOITER; GOITER-DEAFNESS SYNDROME; HYPOTHYROIDISM, CONGENITAL, DUE TO DYSHORMONOGENESIS, 2B; Pendred Syndrome (PDS); THYROID DYSHORMONOGENESIS 2B. Identifiers: Orphanet 705, MedGen C0271829, MONDO:0010134, OMIM 274600.

Allele frequency attached by ClinVar (database versions not stated): TOPMed below 0.00001.

Submissions (3):

GeneDx
Classification: Pathogenic. Last evaluated: 2023-02-22. Review status: criteria provided, single submitter. Criteria: GeneDx Variant Classification Process June 2021. Collection method: clinical testing. Allele origin: germline. Affected: yes.
Comment: Nonsense variant predicted to result in protein truncation or nonsense mediated decay in a gene for which loss of function is a known mechanism of disease; Not observed at significant frequency in large population cohorts (gnomAD); This variant is associated with the following publications: (PMID: 28964290)

Laboratory for Molecular Medicine, Mass General Brigham Personalized Medicine
Classification: Likely pathogenic for Rare genetic deafness. Last evaluated: 2008-03-01. Review status: criteria provided, single submitter. Criteria: LMM Criteria. Collection method: clinical testing. Allele origin: germline. Observed: 1 variant allele.

Counsyl
Classification: Likely pathogenic for Pendred syndrome. Last evaluated: 2016-01-08. Review status: no assertion criteria provided. Collection method: clinical testing. Allele origin: unknown. Not counted in ClinVar's aggregate classification.

Literature cited by the submitters: PubMed 25015771 (cited by Counsyl).

NM_000441.2(SLC26A4):c.170C>G (p.Ser57Ter)

Gene: SLC26A4 (solute carrier family 26 member 4; plus strand). Cytogenetic location: 7q22.3.
Variant type: single nucleotide variant.
Coding change: c.170C>G on transcript NM_000441.2 (MANE Select); coding-DNA position 170, C replaced by G.
Protein change: p.Ser57Ter; replaces serine 57 with a stop codon.
Molecular consequence: nonsense.
Genome position (GRCh38, 1-based): chr7:107,663,301, C>G. VCF-style: chr7-107663301-C-G. GRCh37 (hg19) VCF-style: chr7-107303746-C-G.
Other names: short protein forms S57*.
Identifiers: ClinVar variation 43522 (VCV000043522.7), dbSNP rs111033200, ClinGen allele CA261419.
Genomic context (GRCh38, chr7:107,663,301, plus strand): 5'-AAATTGGTTGTGACTGAGATTGGATTGAAAACCCAGTTTTCTTGCTTTTTGACAGTTGTT[C>G]AAGAAAGAGAGCCTTTGGTGTGCTAAAGACTCTTGTGCCCATCTTGGAGTGGCTCCCCAA-3'